The following is an entry in ClinVar:

ClinVar aggregate classification (germline): Uncertain significance. Review status: criteria provided, multiple submitters, no conflicts (2 of 4 stars). 2 submissions from 2 submitters: Uncertain significance (2). Last evaluated 2025-03-31.

Conditions:
Inborn genetic diseases. Identifiers: MedGen C0950123, MeSH D030342.

Allele frequency attached by ClinVar (database versions not stated): gnomAD 0.00001; TOPMed 0.00003; ESP Exome Variant Server 0.00008.
gnomAD v4.1: 18 of 1,604,548 alleles (0.0011%); highest among the groups gnomAD compares: Admixed American, 0.0017%; no homozygotes.

Submissions (2):

Labcorp Genetics (formerly Invitae), Labcorp
Classification: Uncertain significance. Last evaluated: 2025-03-31. Review status: criteria provided, single submitter. Criteria: Invitae Variant Classification Sherloc (09022015). Collection method: clinical testing. Allele origin: germline.
Comment: This sequence change replaces arginine, which is basic and polar, with glutamine, which is neutral and polar, at codon 564 of the KMT2B protein (p.Arg564Gln). This variant is not present in population databases (gnomAD no frequency). This variant has not been reported in the literature in individuals affected with KMT2B-related conditions. ClinVar contains an entry for this variant (Variation ID: 1926470). Invitae Evidence Modeling of protein sequence and biophysical properties (such as structural, functional, and spatial information, amino acid conservation, physicochemical variation, residue mobility, and thermodynamic stability) indicates that this missense variant is not expected to disrupt KMT2B protein function with a negative predictive value of 95%. In summary, the available evidence is currently insufficient to determine the role of this variant in disease. Therefore, it has been classified as a Variant of Uncertain Significance.

Ambry Genetics
Classification: Uncertain significance for Inborn genetic diseases. Last evaluated: 2024-08-01. Review status: criteria provided, single submitter. Criteria: Ambry Variant Classification Scheme 2023. Collection method: clinical testing. Allele origin: germline.

NM_014727.3(KMT2B):c.1691G>A (p.Arg564Gln)

Gene: KMT2B (lysine methyltransferase 2B; plus strand). Cytogenetic location: 19q13.12.
Variant type: single nucleotide variant.
Coding change: c.1691G>A on transcript NM_014727.3 (MANE Select); coding-DNA position 1691, G replaced by A.
Protein change: p.Arg564Gln; replaces arginine 564 with glutamine.
Molecular consequence: missense variant.
Genome position (GRCh38, 1-based): chr19:35,721,038, G>A. VCF-style: chr19-35721038-G-A. GRCh37 (hg19) VCF-style: chr19-36211940-G-A.
Other names: c.1691G>A (NM_014727.1); short protein forms R564Q.
Identifiers: ClinVar variation 1926470 (VCV001926470.6), dbSNP rs374728315, ClinGen allele CA307783122.